The following is an entry in ClinVar:

NM_001099403.2(PRDM8):c.612CGG[5] (p.Gly209dup)

Gene: PRDM8 (PR/SET domain 8; plus strand). Cytogenetic location: 4q21.21.
Variant type: Microsatellite.
Coding change: c.612CGG[5] on transcript NM_001099403.2 (MANE Select); five copies in a row of the 3-base unit CGG starting at c.612; the reference has four copies in a row; one copy, 3 bases duplicated.
Protein change: p.Gly209dup; duplicates glycine 209.
Molecular consequence: inframe insertion.
Genome position (GRCh38, 1-based): chr4:80,202,083-80,202,085, CGG duplicated; duplicating any 3 consecutive bases within chr4:80,202,072-80,202,085 gives the same sequence; the position shown is the placement nearest the transcript's 3' end. VCF-style (leftmost placement, unchanged base first): chr4-80202071-G-GGGC. GRCh37 (hg19) VCF-style: chr4-81123225-G-GGGC.
Other names: c.612CGG[5], p.Gly209dup (NM_020226.4).
Identifiers: ClinVar variation 1433352 (VCV001433352.7), dbSNP rs769029025, ClinGen allele CA2982284.

ClinVar aggregate classification (germline): Uncertain significance (1 of 4 stars; one submission).

Conditions:
Early-onset Lafora body disease. Also called: Epilepsy, progressive myoclonic, 10. Identifiers: Orphanet 324290, MedGen C4225258, MONDO:0014717, OMIM 616640.

Submission:

Labcorp Genetics (formerly Invitae), Labcorp
Classification: Uncertain significance for Early-onset Lafora body disease. Last evaluated: 2024-02-20. Review status: criteria provided, single submitter. Criteria: Invitae Variant Classification Sherloc (09022015). Collection method: clinical testing. Allele origin: germline.
Comment: This variant, c.621_623dup, results in the insertion of 1 amino acid(s) of the PRDM8 protein (p.Gly209dup), but otherwise preserves the integrity of the reading frame. This variant is present in population databases (rs781558295, gnomAD 0.009%). This variant has not been reported in the literature in individuals affected with PRDM8-related conditions. Experimental studies and prediction algorithms are not available or were not evaluated, and the functional significance of this variant is currently unknown. In summary, the available evidence is currently insufficient to determine the role of this variant in disease. Therefore, it has been classified as a Variant of Uncertain Significance.